The following is an entry in ClinVar:

ClinVar aggregate classification (germline): Likely pathogenic (1 of 4 stars; one submission).

Conditions:
Phenylketonuria (PKU). Also called: OLIGOPHRENIA PHENYLPYRUVICA; Phenylketonurias; FOLLING DISEASE; Phenylketonuria (PKU). Identifiers: Orphanet 716, MedGen C0031485, MONDO:0009861, OMIM 261600. Disease mechanism: loss of function.

Allele frequency attached by ClinVar (database versions not stated): gnomAD 0.00001; TOPMed below 0.00001; ExAC 0.00001; gnomAD exomes 0.00002.
gnomAD v4.1: 29 of 1,613,658 alleles (0.0018%); highest among the groups gnomAD compares: Non-Finnish European, 0.0023%; no homozygotes.

Submission:

Labcorp Genetics (formerly Invitae), Labcorp
Classification: Likely pathogenic for Phenylketonuria. Last evaluated: 2024-02-25. Review status: criteria provided, single submitter. Criteria: Invitae Variant Classification Sherloc (09022015). Collection method: clinical testing. Allele origin: germline.
Comment: This sequence change replaces aspartic acid, which is acidic and polar, with asparagine, which is neutral and polar, at codon 75 of the PAH protein (p.Asp75Asn). This variant is present in population databases (rs767453024, gnomAD 0.004%). This missense change has been observed in individual(s) with PAH-related disease (Invitae). In at least one individual the data is consistent with being in trans (on the opposite chromosome) from a pathogenic variant. ClinVar contains an entry for this variant (Variation ID: 650381). Advanced modeling of protein sequence and biophysical properties (such as structural, functional, and spatial information, amino acid conservation, physicochemical variation, residue mobility, and thermodynamic stability) performed at Invitae indicates that this missense variant is not expected to disrupt PAH protein function with a negative predictive value of 80%. This variant disrupts the p.Asp75 amino acid residue in PAH. Other variant(s) that disrupt this residue have been determined to be pathogenic (PMID: 28982351, 29499199). This suggests that this residue is clinically significant, and that variants that disrupt this residue are likely to be disease-causing. In summary, the currently available evidence indicates that the variant is pathogenic, but additional data are needed to prove that conclusively. Therefore, this variant has been classified as Likely Pathogenic.

Literature cited by the submitters: PubMed 28982351; PubMed 29499199.

NM_000277.3(PAH):c.223G>A (p.Asp75Asn)

Gene: PAH (phenylalanine hydroxylase; minus strand). Cytogenetic location: 12q23.2.
Variant type: single nucleotide variant.
Coding change: c.223G>A on transcript NM_000277.3 (MANE Select); coding-DNA position 223, G replaced by A.
Protein change: p.Asp75Asn; replaces aspartic acid 75 with asparagine.
Molecular consequence: missense variant.
Genome position (GRCh38, 1-based): chr12:102,894,864, C>T on the plus strand (G>A on the coding strand, the complement: PAH is on the minus strand). VCF-style: chr12-102894864-C-T. GRCh37 (hg19) VCF-style: chr12-103288642-C-T.
Other names: c.223G>A, p.Asp75Asn (NM_001354304.2); short protein forms D75N.
Identifiers: ClinVar variation 650381 (VCV000650381.8), dbSNP rs767453024, ClinGen allele CA6748995.